The following is an entry in ClinVar:

NM_001942.4(DSG1):c.2772_2775del (p.Glu924_Arg925insTer)

Genes: DSG1 (desmoglein 1; plus strand), DSG1-AS1 (DSG1 antisense RNA 1; minus strand). Cytogenetic location: 18q12.1.
Variant type: Deletion.
Coding change: c.2772_2775del on transcript NM_001942.4 (MANE Select); coding-DNA positions 2772 to 2775, 4 bases deleted (AAGA; older notation c.2772_2775delAAGA).
Protein change: p.Glu924_Arg925insTer.
Molecular consequence: frameshift variant.
Genome position (GRCh38, 1-based): chr18:31,354,968-31,354,971, AAGA deleted; deleting any 4 consecutive bases within chr18:31,354,965-31,354,971 gives the same sequence; the c. name uses the placement nearest the transcript's 3' end. VCF-style (leftmost placement, unchanged base first): chr18-31354964-CAGAA-C. GRCh37 (hg19) VCF-style: chr18-28934927-CAGAA-C.
Identifiers: ClinVar variation 1338809 (VCV001338809.3), dbSNP rs2144128095, ClinGen allele CA2573054643.
Genomic context (GRCh38, chr18:31,354,964, plus strand): 5'-CTAGTCTACCCACCTCTCTGACTATCCATCATCCTAGAGAGTCTTCAAATGTGGTAGTGA[CAGAA>C]AGAGTAATCCAACCAACTTCCGGCATGATAGGTAGTCTGAGTATGCACCCCGAGTTAGCC-3'

ClinVar aggregate classification (germline): Uncertain significance. Review status: criteria provided, single submitter (1 of 4 stars). 2 submissions from 1 submitter: Uncertain significance (2). Last evaluated 2022-01-28.

Conditions:
Severe dermatitis-multiple allergies-metabolic wasting syndrome. Also called: SEVERE DERMATITIS, MULTIPLE ALLERGIES, AND METABOLIC WASTING SYNDROME; SAM SYNDROME; ERYTHRODERMA, CONGENITAL, WITH PALMOPLANTAR KERATODERMA, HYPOTRICHOSIS, RECURRENT INFECTIONS, AND MULTIPLE FOOD ALLERGIES; Erythroderma, congenital, with palmoplantar keratoderma, hypotrichosis, and hyper-ige. Identifiers: Orphanet 369992, MedGen C3809719, MONDO:0014218, OMIM 615508.
Palmoplantar keratoderma i, striate, focal, or diffuse. Also called: KERATOSIS PALMOPLANTARIS STRIATA I; Keratosis Palmoplantaris Striata I, AD; PALMOPLANTAR KERATODERMA I, STRIATE OR DIFFUSE; PALMOPLANTAR KERATODERMA I, FOCAL; KERATODERMA, PALMOPLANTAR, STRIATE FORM I; STRIATE PALMOPLANTAR KERATODERMA I. Identifiers: Orphanet 369999, Orphanet 370002, MedGen C2931122, MONDO:0007859, OMIM 148700.

Submissions (2):

Institute of Human Genetics, University of Leipzig Medical Center
Classification: Uncertain significance for Palmoplantar keratoderma i, striate, focal, or diffuse. Last evaluated: 2022-01-28. Review status: criteria provided, single submitter. Criteria: ACMG Guidelines, 2015. Collection method: clinical testing. Allele origin: unknown. Affected: yes.
Comment: _x000D_ Criteria applied: PVS1_STR, PM2_SUP

Institute of Human Genetics, University of Leipzig Medical Center
Classification: Uncertain significance for Severe dermatitis-multiple allergies-metabolic wasting syndrome. Last evaluated: 2022-01-28. Review status: criteria provided, single submitter. Criteria: ACMG Guidelines, 2015. Collection method: clinical testing. Allele origin: unknown. Inheritance: Autosomal dominant inheritance. Affected: yes.
Comment: Criteria applied: PVS1_STR, PM2_SUP